The following is an entry in ClinVar:

ClinVar aggregate classification (germline): Pathogenic (1 of 4 stars; one submission).

Submission:

Labcorp Genetics (formerly Invitae), Labcorp
Classification: Pathogenic. Last evaluated: 2022-11-12. Review status: criteria provided, single submitter. Criteria: Invitae Variant Classification Sherloc (09022015). Collection method: clinical testing. Allele origin: unknown.
Comment: For these reasons, this variant has been classified as Pathogenic. This variant has not been reported in the literature in individuals affected with IFT74-related conditions. This variant is a gross deletion of the genomic region encompassing exon(s) 4 of the IFT74 gene. This deletion is out-of-frame, and is expected to create a premature termination codon and result in an absent or disrupted protein product. Loss-of-function variants in IFT74 are known to be pathogenic (PMID: 33531668).

Literature cited by the submitters: PubMed 33531668.

NC_000009.11:g.(?_26980549)_(26980637_?)del

Gene: IFT74 (intraflagellar transport 74; plus strand). Cytogenetic location: 9p21.2.
Variant type: Deletion.
Identifiers: ClinVar variation 3245302 (VCV003245302.1).